The following is an entry in ClinVar:

NM_000069.3(CACNA1S):c.251T>A (p.Leu84His)

Gene: CACNA1S (calcium voltage-gated channel subunit alpha1 S; minus strand). Cytogenetic location: 1q32.1.
Variant type: single nucleotide variant.
Coding change: c.251T>A on transcript NM_000069.3 (MANE Select); coding-DNA position 251, T replaced by A.
Protein change: p.Leu84His; replaces leucine 84 with histidine.
Molecular consequence: missense variant.
Genome position (GRCh38, 1-based): chr1:201,110,171, A>T on the plus strand (T>A on the coding strand, the complement: CACNA1S is on the minus strand). VCF-style: chr1-201110171-A-T. GRCh37 (hg19) VCF-style: chr1-201079299-A-T.
Other names: short protein forms L84H.
Identifiers: ClinVar variation 2003489 (VCV002003489.4), dbSNP rs2464691162, ClinGen allele CA344155622.
Genomic context (GRCh38, chr1:201,110,171, plus strand): 5'-CCAAGCCTGGGGCTGCAGGCTCGCAGGAAGGGAGATGGAAGGGCCAATCTTACCAGGCCG[A>T]GGTTCAGAGAGTTGTTGTCATCTTCCGGCATGGGCAGGTACACGGCCAGGGCCACACAAT-3'
Protein context (NP_000060.2, residues 74-94): MPEDDNNSLN[Leu84His]GLEKLEYFFL

ClinVar aggregate classification (germline): Uncertain significance (1 of 4 stars; one submission).

Conditions:
Hypokalemic periodic paralysis, type 1. Also called: Hypokalemic Periodic Paralysis Type 1 (AD); HypoPP. Identifiers: Orphanet 681, MedGen C3714580, MONDO:0042979, OMIM 170400.
Malignant hyperthermia, susceptibility to, 5 (MHS5). Also called: CACNA1S-Related Malignant Hyperthermia Susceptibility. Identifiers: Orphanet 423, MedGen C1866077, MONDO:0011163, OMIM 601887.

Submission:

Labcorp Genetics (formerly Invitae), Labcorp
Classification: Uncertain significance for Hypokalemic periodic paralysis, type 1; Malignant hyperthermia, susceptibility to, 5. Last evaluated: 2022-10-10. Review status: criteria provided, single submitter. Criteria: Invitae Variant Classification Sherloc (09022015). Collection method: clinical testing. Allele origin: germline.
Comment: In summary, the available evidence is currently insufficient to determine the role of this variant in disease. Therefore, it has been classified as a Variant of Uncertain Significance. Advanced modeling of protein sequence and biophysical properties (such as structural, functional, and spatial information, amino acid conservation, physicochemical variation, residue mobility, and thermodynamic stability) performed at Invitae indicates that this missense variant is not expected to disrupt CACNA1S protein function. This variant has not been reported in the literature in individuals affected with CACNA1S-related conditions. This variant is not present in population databases (gnomAD no frequency). This sequence change replaces leucine, which is neutral and non-polar, with histidine, which is basic and polar, at codon 84 of the CACNA1S protein (p.Leu84His).